The following is an entry in ClinVar:

ClinVar aggregate classification (germline): Benign (1 of 4 stars; one submission).

Conditions:
Griscelli syndrome type 2 (GS2). Also called: GRISCELLI SYNDROME WITH HEMOPHAGOCYTIC SYNDROME; PAID SYNDROME; PARTIAL ALBINISM AND IMMUNODEFICIENCY SYNDROME. Identifiers: Orphanet 381, Orphanet 79477, MedGen C1868679, MONDO:0011872, OMIM 607624.

Allele frequency attached by ClinVar (database versions not stated): gnomAD 0.01972 and 0.02129; TOPMed 0.02223; 1000 Genomes Project 0.02236; 1000 Genomes Project 30x 0.02311.

Submission:

Illumina Laboratory Services, Illumina
Classification: Benign for Griscelli syndrome type 2. Last evaluated: 2018-01-13. Review status: criteria provided, single submitter. Criteria: ICSL Variant Classification Criteria 13 December 2019. Collection method: clinical testing. Allele origin: germline.
Comment: This variant was observed in the ICSL laboratory as part of a predisposition screen in an ostensibly healthy population. It had not been previously curated by ICSL or reported in the Human Gene Mutation Database (HGMD: prior to June 1st, 2018), and was therefore a candidate for classification through an automated scoring system. Utilizing variant allele frequency, disease prevalence and penetrance estimates, and inheritance mode, an automated score was calculated to assess if this variant is too frequent to cause the disease. Based on the score and internal cut-off values, a variant classified as benign is not then subjected to further curation. The score for this variant resulted in a classification of benign for this disease.

NM_183235.3(RAB27A):c.*731G>T

Gene: RAB27A (RAB27A, member RAS oncogene family; minus strand). Cytogenetic location: 15q21.3.
Variant type: single nucleotide variant.
Coding change: c.*731G>T on transcript NM_183235.3 (MANE Select); 731 bases downstream of the stop codon, G replaced by T.
Molecular consequence: 3 prime UTR variant.
Genome position (GRCh38, 1-based): chr15:55,204,776, C>A on the plus strand (G>T on the coding strand, the complement: RAB27A is on the minus strand). VCF-style: chr15-55204776-C-A. GRCh37 (hg19) VCF-style: chr15-55496974-C-A.
Other names: c.*731G>T (NM_004580.5, NM_183234.3, NM_183236.3).
Identifiers: ClinVar variation 316638 (VCV000316638.5), dbSNP rs76097718, ClinGen allele CA10642266.